The following is an entry in ClinVar:

ClinVar aggregate classification (germline): Uncertain significance. Review status: criteria provided, multiple submitters, no conflicts (2 of 4 stars). 2 submissions from 2 submitters: Uncertain significance (2). Last evaluated 2023-06-05.

Conditions:
Multiple endocrine neoplasia, type 2 (MEN2). Identifiers: Orphanet 653, MedGen C4048306, MONDO:0019003. Disease mechanism: gain of function.
Hereditary cancer-predisposing syndrome. Also called: Neoplastic Syndromes, Hereditary; Hereditary neoplastic syndrome; Tumor predisposition; Hereditary Cancer Syndrome. Identifiers: Orphanet 140162, MedGen C0027672, MeSH D009386, MONDO:0015356.

Submissions (2):

Labcorp Genetics (formerly Invitae), Labcorp
Classification: Uncertain significance for Multiple endocrine neoplasia, type 2. Last evaluated: 2023-06-05. Review status: criteria provided, single submitter. Criteria: Invitae Variant Classification Sherloc (09022015). Collection method: clinical testing. Allele origin: germline.
Comment: In summary, the available evidence is currently insufficient to determine the role of this variant in disease. Therefore, it has been classified as a Variant of Uncertain Significance. An algorithm developed to predict the effect of missense changes on protein structure and function (PolyPhen-2) suggests that this variant is likely to be disruptive. ClinVar contains an entry for this variant (Variation ID: 2454127). This variant has not been reported in the literature in individuals affected with RET-related conditions. This variant is not present in population databases (gnomAD no frequency). This sequence change replaces serine, which is neutral and polar, with cysteine, which is neutral and slightly polar, at codon 445 of the RET protein (p.Ser445Cys).

Ambry Genetics
Classification: Uncertain significance for Hereditary cancer-predisposing syndrome. Last evaluated: 2022-11-16. Review status: criteria provided, single submitter. Criteria: Ambry Variant Classification Scheme 2023. Collection method: clinical testing. Allele origin: germline.
Comment: The p.S445C variant (also known as c.1334C>G), located in coding exon 7 of the RET gene, results from a C to G substitution at nucleotide position 1334. The serine at codon 445 is replaced by cysteine, an amino acid with dissimilar properties. This amino acid position is not well conserved in available vertebrate species. In addition, this alteration is predicted to be tolerated by in silico analysis. Since supporting evidence is limited at this time, the clinical significance of this alteration remains unclear.

NM_020975.6(RET):c.1334C>G (p.Ser445Cys)

Gene: RET (ret proto-oncogene; plus strand). Cytogenetic location: 10q11.21.
Variant type: single nucleotide variant.
Coding change: c.1334C>G on transcript NM_020975.6 (MANE Select); coding-DNA position 1334, C replaced by G.
Protein change: p.Ser445Cys; replaces serine 445 with cysteine.
Molecular consequence: missense variant. On other transcripts: intron variant (15).
Genome position (GRCh38, 1-based): chr10:43,111,277, C>G. VCF-style: chr10-43111277-C-G. GRCh37 (hg19) VCF-style: chr10-43606725-C-G.
Other names: c.1334C>G, p.Ser445Cys (NM_000323.2, NM_001406743.1, NM_001406744.1 and 6 more transcripts); c.572C>G, p.Ser191Cys (NM_001355216.2); c.1205C>G, p.Ser402Cys (NM_001406761.1, NM_001406762.1, NM_001406764.1 and 1 more transcripts); c.1046C>G, p.Ser349Cys (NM_001406766.1, NM_001406767.1, NM_001406770.1); c.938C>G, p.Ser313Cys (NM_001406769.1, NM_001406772.1); c.896C>G, p.Ser299Cys (NM_001406771.1, NM_001406773.1); c.809C>G, p.Ser270Cys (NM_001406774.1); c.608C>G, p.Ser203Cys (NM_001406775.1, NM_001406776.1, NM_001406777.1 and 1 more transcripts); and 5 more; short protein forms S115C, S203C, S191C, S270C, S299C, S445C, S313C, S349C.
Identifiers: ClinVar variation 2454127 (VCV002454127.5), dbSNP rs2132768048, ClinGen allele CA376549058.
Genomic context (GRCh38, chr10:43,111,277, plus strand): 5'-TCTGTGTGGAAAACTGCCAGGCATTCAGTGGCATCAACGTCCAGTACAAGCTGCATTCCT[C>G]TGGTGCCAACTGCAGCACGCTAGGGGTGGTCACCTCAGCCGAGGACACCTCGGGGATCCT-3'
Protein context (NP_066124.1, residues 435-455): GINVQYKLHS[Ser445Cys]GANCSTLGVV